The following is an entry in ClinVar:

ClinVar aggregate classification (germline): Likely benign. Review status: criteria provided, multiple submitters, no conflicts (2 of 4 stars). 3 submissions from 3 submitters: Likely benign (2). 1 of the submissions does not count toward it. Last evaluated 2025-12-17.

Conditions:
Anterior segment dysgenesis. Also called: Ocular anterior segment dysgenesis. Identifiers: Orphanet 88632, MedGen C1862839, MONDO:0019503, HP:0007700.
Congenital primary aphakia. Also called: Anterior segment dysgenesis 2, multiple subtypes; ANTERIOR SEGMENT DYSGENESIS 2. Identifiers: Orphanet 83461, MedGen C1853230, MONDO:0012456, OMIM 610256.
FOXE3-related disorder. Also called: FOXE3-related condition.
Cardiovascular phenotype. Identifiers: MedGen CN230736.

Allele frequency attached by ClinVar (database versions not stated): gnomAD exomes 0.00002 and 0.00006; ExAC 0.00007; gnomAD 0.00021; TOPMed 0.00022; 1000 Genomes Project 0.00060; 1000 Genomes Project 30x 0.00062.

Submissions (3):

Labcorp Genetics (formerly Invitae), Labcorp
Classification: Likely benign for Anterior segment dysgenesis; Congenital primary aphakia. Last evaluated: 2025-12-17. Review status: criteria provided, single submitter. Criteria: Invitae Variant Classification Sherloc (09022015). Collection method: clinical testing. Allele origin: germline.

Ambry Genetics
Classification: Likely benign for Cardiovascular phenotype. Last evaluated: 2021-01-27. Review status: criteria provided, single submitter. Criteria: Ambry Variant Classification Scheme 2023. Collection method: clinical testing. Allele origin: germline.

PreventionGenetics, part of Exact Sciences
Classification: Likely benign for FOXE3-related condition. Last evaluated: 2021-01-08. Review status: no assertion criteria provided. Collection method: clinical testing. Allele origin: germline. Not counted in ClinVar's aggregate classification.
Comment: This variant is classified as likely benign based on ACMG/AMP sequence variant interpretation guidelines (Richards et al. 2015 PMID: 25741868, with internal and published modifications).

NM_012186.3(FOXE3):c.405G>A (p.Glu135=)

Genes: FOXE3 (forkhead box E3; plus strand), LINC01389 (long independently transcribed non-coding RNA 1389; minus strand). Cytogenetic location: 1p33.
Variant type: single nucleotide variant.
Coding change: c.405G>A on transcript NM_012186.3 (MANE Select); coding-DNA position 405, G replaced by A.
Protein change: p.Glu135=; no amino-acid change (glutamic acid 135 retained).
Molecular consequence: synonymous variant.
Genome position (GRCh38, 1-based): chr1:47,416,720, G>A. VCF-style: chr1-47416720-G-A. GRCh37 (hg19) VCF-style: chr1-47882392-G-A.
Identifiers: ClinVar variation 1161347 (VCV001161347.13), dbSNP rs574859994, ClinGen allele CA842956.